The following is an entry in ClinVar:

NM_000535.7(PMS2):c.2276-7C>A

Gene: PMS2 (PMS1 homolog 2, mismatch repair system component; minus strand). Cytogenetic location: 7p22.1.
Variant type: single nucleotide variant.
Coding change: c.2276-7C>A on transcript NM_000535.7 (MANE Select); 7 bases into the intron before coding-DNA position 2276, C replaced by A.
Molecular consequence: intron variant. On other transcripts: missense variant (7).
Genome position (GRCh38, 1-based): chr7:5,977,764, G>T on the plus strand (C>A on the coding strand, the complement: PMS2 is on the minus strand). VCF-style: chr7-5977764-G-T. GRCh37 (hg19) VCF-style: chr7-6017395-G-T.
Other names: c.1897C>A, p.Leu633Ile (NM_001322009.2, NM_001406887.1, NM_001406888.1); c.2302C>A, p.Leu768Ile (NM_001322014.2); c.2146C>A, p.Leu716Ile (NM_001406870.1); c.1993C>A, p.Leu665Ile (NM_001406875.1); c.1984C>A, p.Leu662Ile (NM_001406876.1); c.1958-7C>A (NM_001322008.2, NM_001406883.1, NM_001322007.2); c.1967-7C>A (NM_001406881.1, NM_001406879.1, NM_001322015.2 and 4 more transcripts); c.1871-7C>A (NM_001406895.1, NM_001322004.2, NM_001406889.1 and 11 more transcripts); and 20 more; short protein forms L716I, L633I, L768I, L662I, L665I.
Identifiers: ClinVar variation 3684677 (VCV003684677.2).

ClinVar aggregate classification (germline): Uncertain significance (1 of 4 stars; one submission).

Conditions:
Hereditary nonpolyposis colorectal neoplasms. Identifiers: MedGen C0009405, MeSH D003123.

Submission:

Labcorp Genetics (formerly Invitae), Labcorp
Classification: Uncertain significance for Hereditary nonpolyposis colorectal neoplasms. Last evaluated: 2025-09-24. Review status: criteria provided, single submitter. Criteria: Invitae Variant Classification Sherloc (09022015). Collection method: clinical testing. Allele origin: germline.
Comment: This sequence change falls in intron 13 of the PMS2 gene. It does not directly change the encoded amino acid sequence of the PMS2 protein. The frequency data for this variant in the population databases (gnomAD) is considered unreliable due to the presence of homologous sequence, such as pseudogenes or paralogs, in the genome. This variant has been observed in individual(s) with late-onset colorectal cancer (PMID: 35904628). ClinVar contains an entry for this variant (Variation ID: 3684677). RNA analysis provides insufficient evidence to determine the effect of this variant on PMS2 splicing (internal data). In summary, the available evidence is currently insufficient to determine the role of this variant in disease. Therefore, it has been classified as a Variant of Uncertain Significance.

Literature cited by the submitters: PubMed 35904628.